The following is an entry in ClinVar:

NM_138927.4(SON):c.4300T>A (p.Ser1434Thr)

Gene: SON (SON DNA and RNA binding protein; plus strand). Cytogenetic location: 21q22.11.
Variant type: single nucleotide variant.
Coding change: c.4300T>A on transcript NM_138927.4 (MANE Select); coding-DNA position 4300, T replaced by A.
Protein change: p.Ser1434Thr; replaces serine 1434 with threonine.
Molecular consequence: missense variant. On other transcripts: non-coding transcript variant (1), intron variant (1).
Genome position (GRCh38, 1-based): chr21:33,553,531, T>A. VCF-style: chr21-33553531-T-A. GRCh37 (hg19) VCF-style: chr21-34925837-T-A.
Other names: c.4300T>A, p.Ser1434Thr (NM_001291411.2, NM_032195.3); c.245-3625T>A (NM_001291412.3); short protein forms S1434T.
Identifiers: ClinVar variation 4687595 (VCV004687595.3).

ClinVar aggregate classification (germline): Uncertain significance. Review status: criteria provided, multiple submitters, no conflicts (2 of 4 stars). 2 submissions from 2 submitters: Uncertain significance (2). Last evaluated 2026-07-01.

gnomAD v4.1: 1 of 1,614,186 alleles (0.000062%); highest among the groups gnomAD compares: Admixed American, 0.0017%; no homozygotes.

Submissions (2):

CeGaT Center for Human Genetics Tuebingen
Classification: Uncertain significance. Last evaluated: 2026-07-01. Review status: criteria provided, single submitter. Criteria: CeGaT Center For Human Genetics Tuebingen Variant Classification Criteria Version 2. Collection method: clinical testing. Allele origin: germline. Affected: yes. Observed: 1 variant allele.
Comment: SON: PM2, BP4

Women's Health and Genetics/Laboratory Corporation of America, LabCorp
Classification: Uncertain significance. Last evaluated: 2025-10-03. Review status: criteria provided, single submitter. Criteria: LabCorp Variant Classification Summary - May 2015. Collection method: clinical testing. Allele origin: germline.
Comment: Variant summary: SON c.4300T>A (p.Ser1434Thr) results in a conservative amino acid change in the encoded protein sequence. Algorithms developed to predict the effect of missense changes on protein structure and function are either unavailable or do not agree on the potential impact of this missense change. The variant allele was found at a frequency of 4e-06 in 251488 control chromosomes. The available data on variant occurrences in the general population are insufficient to allow any conclusion about variant significance. To our knowledge, no occurrence of c.4300T>A in individuals affected with SON-related conditions and no experimental evidence demonstrating its impact on protein function have been reported. No submitters have cited clinical-significance assessments for this variant to ClinVar. Based on the evidence outlined above, the variant was classified as uncertain significance.